The following is an entry in ClinVar:

ClinVar aggregate classification (germline): Uncertain significance. Review status: criteria provided, multiple submitters, no conflicts (2 of 4 stars). 3 submissions from 3 submitters: Uncertain significance (3). Last evaluated 2023-12-25.

Conditions:
Juvenile myelomonocytic leukemia (JMML). Also called: LEUKEMIA, JUVENILE MYELOMONOCYTIC, SOMATIC. Identifiers: Orphanet 86834, MedGen C0349639, MONDO:0011908, OMIM 607785, HP:0012209.
CBL-related disorder. Also called: NOONAN SYNDROME-LIKE DISORDER WITHOUT JUVENILE MYELOMONOCYTIC LEUKEMIA; CBL MUTATION-ASSOCIATED SYNDROME; CBL SYNDROME. Identifiers: Orphanet 363972, MedGen C3150803, MONDO:0013308, OMIM 613563.
RASopathy. Also called: rasopathies; Noonan spectrum disorder. Identifiers: Orphanet 536391, MedGen C5555857, MONDO:0021060.

Allele frequency attached by ClinVar (database versions not stated): gnomAD exomes below 0.00001; ExAC 0.00001; TOPMed 0.00001.

Submissions (3):

Labcorp Genetics (formerly Invitae), Labcorp
Classification: Uncertain significance for RASopathy. Last evaluated: 2023-12-25. Review status: criteria provided, single submitter. Criteria: Invitae Variant Classification Sherloc (09022015). Collection method: clinical testing. Allele origin: germline.
Comment: This sequence change replaces glycine, which is neutral and non-polar, with serine, which is neutral and polar, at codon 415 of the CBL protein (p.Gly415Ser). This variant is present in population databases (rs756530482, gnomAD 0.01%). This variant has not been reported in the literature in individuals affected with CBL-related conditions. ClinVar contains an entry for this variant (Variation ID: 1332902). Advanced modeling of protein sequence and biophysical properties (such as structural, functional, and spatial information, amino acid conservation, physicochemical variation, residue mobility, and thermodynamic stability) performed at Invitae indicates that this missense variant is not expected to disrupt CBL protein function with a negative predictive value of 95%. In summary, the available evidence is currently insufficient to determine the role of this variant in disease. Therefore, it has been classified as a Variant of Uncertain Significance.

Centre of Medical Genetics, University Hospital Muenster
Classification: Uncertain significance. Last evaluated: 2021-12-05. Review status: criteria provided, single submitter. Criteria: ACMG Guidelines, 2015. Collection method: clinical testing. Allele origin: unknown. Affected: yes. Observed: 1 variant allele, 1 heterozygote.
Comment: ACMG categories: PM1,PM2,PP3

Fulgent Genetics
Classification: Uncertain significance for Juvenile myelomonocytic leukemia; CBL-related disorder. Last evaluated: 2021-10-07. Review status: criteria provided, single submitter. Criteria: ACMG Guidelines, 2015. Collection method: clinical testing. Allele origin: unknown.

NM_005188.4(CBL):c.1243G>A (p.Gly415Ser)

Gene: CBL (Cbl proto-oncogene; plus strand). Cytogenetic location: 11q23.3.
Variant type: single nucleotide variant.
Coding change: c.1243G>A on transcript NM_005188.4 (MANE Select); coding-DNA position 1243, G replaced by A.
Protein change: p.Gly415Ser; replaces glycine 415 with serine.
Molecular consequence: missense variant.
Genome position (GRCh38, 1-based): chr11:119,278,525, G>A. VCF-style: chr11-119278525-G-A. GRCh37 (hg19) VCF-style: chr11-119149235-G-A.
Other names: short protein forms G415S.
Identifiers: ClinVar variation 1332902 (VCV001332902.7), dbSNP rs756530482, ClinGen allele CA6318479.